The following continues an entry in ClinVar:

NM_007294.4(BRCA1):c.3331_3334del (p.Gln1111fs)

ClinVar aggregate classification (germline): Pathogenic. Pathogenic (1).

Submissions 26 to 42 of 42:

Human Genome Sequencing Center Clinical Lab, Baylor College of Medicine
Classification: Pathogenic for Familial breast-ovarian cancer 1. Last evaluated: 2018-09-27. Review status: criteria provided, single submitter. Criteria: ACMG Guidelines, 2015. Collection method: clinical testing. Allele origin: germline. Not counted in ClinVar's aggregate classification.
Comment: The c.3331_3334delCAAG (p. Gln1111Asnfs*5) variant in the BRCA1 gene is predicted to introduce a premature translation termination codon, which is predicted to result in nonsense-mediated mRNA decay. This variant has been reported in multiple patients with hereditary breast and ovarian cancer (PMID 8933332, 17080309, 21324516, 27081505, 27914478). This variant is absent from large databases of genetic variation in the general population. Therefore, the c.3331_3334delCAAG (p. Gln1111Asnfs*5) variant in the BRCA1 gene is classified as pathogenic.

Women's Health and Genetics/Laboratory Corporation of America, LabCorp
Classification: Pathogenic for Hereditary breast ovarian cancer syndrome. Last evaluated: 2017-02-22. Review status: criteria provided, single submitter. Criteria: LabCorp Variant Classification Summary - May 2015. Collection method: clinical testing. Allele origin: germline. Not counted in ClinVar's aggregate classification.
Comment: Variant summary: The BRCA1 c.3331_3334delCAAG (p.Gln1111Aspfs) variant results in a premature termination codon, predicted to cause a truncated or absent BRCA1 protein due to nonsense mediated decay, which are commonly known mechanisms for disease. Truncations downstream of this position have been classified as pathogenic by our laboratory (e.g., c.3342_3345delAGAA [p.Glu1115X], c.3351dupT [p.Gln1118fs). One in silico tool, Mutation Taster, predicts a damaging outcome for this variant. This variant is absent in the large control population database ExAC (0/121128 control chromosomes). Multiple clinical diagnostic laboratories/reputable databases (13 in total) classified this variant as pathogenic. Additionally, several publications have identified the variant in affected individuals and co-segregation of the variant with disease has been established through family studies. Taken together, this variant is classified as pathogenic.

Equipe Genetique des Anomalies du Developpement, Université de Bourgogne
Classification: Pathogenic for Breast-ovarian cancer, familial, susceptibility to, 1. Last evaluated: 2016-10-04. Review status: criteria provided, single submitter. Criteria: ACMG Guidelines, 2015. Collection method: clinical testing. Allele origin: unknown. Affected: yes. Not counted in ClinVar's aggregate classification.

Consortium of Investigators of Modifiers of BRCA1/2 (CIMBA), c/o University of Cambridge
Classification: Pathogenic for Breast-ovarian cancer, familial, susceptibility to, 1. Last evaluated: 2015-10-02. Review status: criteria provided, single submitter. Criteria: CIMBA Mutation Classification guidelines May 2016. Collection method: clinical testing. Allele origin: germline. Not counted in ClinVar's aggregate classification.

Clinical Genetics DNA and cytogenetics Diagnostics Lab, Erasmus MC, Erasmus Medical Center
Classification: Pathogenic for Breast-ovarian cancer, familial, susceptibility to, 1. Last evaluated: 2015-09-21. Review status: criteria provided, single submitter. Criteria: ACGS Guidelines, 2013. Collection method: clinical testing. Allele origin: germline. Affected: yes. Study: VKGL Data-share Consensus. Not counted in ClinVar's aggregate classification.

Department of Medical Genetics, Oslo University Hospital
Classification: Pathogenic for Breast-ovarian cancer, familial, susceptibility to, 1. Last evaluated: 2015-07-01. Review status: criteria provided, single submitter. Criteria: ACMG Guidelines, 2015. Collection method: clinical testing. Allele origin: germline. Affected: yes. Observed: 21 variant alleles. Not counted in ClinVar's aggregate classification.

Molecular Genetics Laboratory, University of Michigan
Classification: Pathogenic for Breast-ovarian cancer, familial, susceptibility to, 1. Last evaluated: 2014-11-03. Review status: criteria provided, single submitter. Criteria: ACMG Guidelines, 2015. Collection method: clinical testing. Allele origin: germline. Affected: yes. Not counted in ClinVar's aggregate classification.

Clinical and Functional Genomics Group, A.C.Camargo Cancer Center
Classification: Pathogenic for Breast Cancer. Review status: criteria provided, single submitter. Criteria: Carraro et al. (PLoS One. 2013). Collection method: research. Allele origin: germline. Affected: yes. Not counted in ClinVar's aggregate classification.

Molecular Oncology, Hospital Universitario Central de Asturias (HUCA)
Classification: Pathogenic for Breast-ovarian cancer, familial, susceptibility to, 1. Last evaluated: 2021-05-24. Review status: no assertion criteria provided. Collection method: case-control. Allele origin: germline. Affected: yes. Not counted in ClinVar's aggregate classification.

BRCAlab, Lund University
Classification: Pathogenic for Breast-ovarian cancer, familial, susceptibility to, 1. Last evaluated: 2020-03-02. Review status: no assertion criteria provided. Collection method: clinical testing. Allele origin: germline. Affected: yes. Not counted in ClinVar's aggregate classification.

Counsyl
Classification: Pathogenic for Breast-ovarian cancer, familial 1. Last evaluated: 2014-04-18. Review status: no assertion criteria provided. Collection method: literature only. Allele origin: unknown. Inheritance: Autosomal dominant inheritance. Not counted in ClinVar's aggregate classification.

Research Molecular Genetics Laboratory, Women's College Hospital, University of Toronto
Classification: Pathogenic for Hereditary breast ovarian cancer syndrome. Last evaluated: 2014-01-31. Review status: no assertion criteria provided. Collection method: research. Allele origin: germline. Affected: yes. Study: The Canadian Open Genetics Repository (COGR). Not counted in ClinVar's aggregate classification.

Sharing Clinical Reports Project (SCRP)
Classification: Pathogenic for Breast-ovarian cancer, familial 1. Last evaluated: 2012-02-28. Review status: no assertion criteria provided. Collection method: clinical testing. Allele origin: germline. Not counted in ClinVar's aggregate classification.

Breast Cancer Information Core (BIC) (BRCA1)
Classification: Pathogenic for Breast-ovarian cancer, familial 1. Last evaluated: 2002-05-29. Review status: no assertion criteria provided. Collection method: clinical testing. Allele origin: germline. Affected: yes. Observed: 44 variant alleles. Not counted in ClinVar's aggregate classification.

Department of Pathology and Laboratory Medicine, Sinai Health System
Classification: Pathogenic for Malignant tumor of breast. Review status: no assertion criteria provided. Collection method: clinical testing. Allele origin: unknown. Affected: yes. Observed: 4 variant alleles. Study: The Canadian Open Genetics Repository (COGR). Not counted in ClinVar's aggregate classification.
Comment: The BRCA1 p.Gln1111AsnfsX5 deletion variant was identified in 18 of 2684 proband chromosomes from individuals with breast or ovarian cancer (Blay 2013, Blesa 2000, Borg 2010, Durocher 1996, Jara 2006, Mahfoudh 2012, Torres 2006, Zhang 2011). The variant was also identified in dbSNP (ID: rs80357903) â€šÃ„ÃºWith pathogenic alleleâ€šÃ„Ã¹, HGMD, UMD (28X as a causal variant), and the BIC database (40X with clinical importance). One functional study found that the variant deregulated cell cycle progression and the expression of important regulators of cell motility and invasion (Yasmeen 2008). The p.Gln1111AsnfsX5 deletion variant is predicted to cause a frameshift, which alters the protein's amino acid sequence beginning at codon 1111 and leads to a premature stop codon 5 codons downstream. This alteration is then predicted to result in a truncated or absent protein and loss of function. Loss of function variants of the BRCA1 gene are an established mechanism of disease in hereditary breast and ovarian cancer and is the type of variant expected to cause the disorder. In summary, based on the above information, this variant meets our laboratoryâ€šÃ„Ã´s criteria to be classified as pathogenic.

Diagnostic Laboratory, Department of Genetics, University Medical Center Groningen
Classification: Pathogenic for Breast-ovarian cancer, familial, susceptibility to, 1. Review status: no assertion criteria provided. Collection method: clinical testing. Allele origin: germline. Affected: yes. Study: VKGL Data-share Consensus. Not counted in ClinVar's aggregate classification.

Joint Genome Diagnostic Labs from Nijmegen and Maastricht, Radboudumc and MUMC+
Classification: Pathogenic. Review status: no assertion criteria provided. Collection method: clinical testing. Allele origin: germline. Affected: yes. Study: VKGL Data-share Consensus. Not counted in ClinVar's aggregate classification.

Literature cited by the submitters: PubMed 20104584 (cited by 4 submitters); PubMed 22044689 (cited by 5 submitters); PubMed 24742220 (cited by 4 submitters); PubMed 24916970 (cited by 3 submitters); PubMed 35957908 (cited by Center for Genomic Medicine, Rigshospitalet, Copenhagen University Hospital and Mayo Clinic Laboratories, Mayo Clinic); PubMed 38922859 (cited by Center for Genomic Medicine, Rigshospitalet, Copenhagen University Hospital and Molecular Oncology, Hospital Universitario Central de Asturias (HUCA)); PubMed 33087180 (cited by 3 submitters); PubMed 17080309 (cited by 3 submitters); PubMed 27286788 (cited by Color Diagnostics, LLC DBA Color Health and All of Us Research Program, National Institutes of Health); PubMed 29088781 (cited by 5 submitters); PubMed 29161300 (cited by 4 submitters); PubMed 30078507 (cited by 3 submitters); PubMed 30322717 (cited by Color Diagnostics, LLC DBA Color Health and Quest Diagnostics Nichols Institute San Juan Capistrano); PubMed 30535581 (cited by Color Diagnostics, LLC DBA Color Health and Quest Diagnostics Nichols Institute San Juan Capistrano); PubMed 30736435 (cited by Color Diagnostics, LLC DBA Color Health and Mayo Clinic Laboratories, Mayo Clinic); PubMed 31853058 (cited by Color Diagnostics, LLC DBA Color Health); PubMed 33471991 (cited by Color Diagnostics, LLC DBA Color Health); PubMed 40413188 (cited by Color Diagnostics, LLC DBA Color Health); PubMed 8933332 (cited by 4 submitters); PubMed 27081505 (cited by 3 submitters); PubMed 27914478 (cited by 3 submitters); PubMed 28024868 (cited by Ambry Genetics and Quest Diagnostics Nichols Institute San Juan Capistrano); PubMed 28477318 (cited by Ambry Genetics); PubMed 27741520 (cited by 4 submitters); PubMed 39142283 (cited by OLLIN Analises Genomicas, OLLIN); PubMed 28680148 (cited by Quest Diagnostics Nichols Institute San Juan Capistrano); PubMed 23683081 (cited by Quest Diagnostics Nichols Institute San Juan Capistrano and Counsyl); PubMed 21603858 (cited by Quest Diagnostics Nichols Institute San Juan Capistrano and Counsyl); PubMed 26295337 (cited by Quest Diagnostics Nichols Institute San Juan Capistrano); PubMed 29339979 (cited by Mayo Clinic Laboratories, Mayo Clinic); PubMed 29446198 (cited by Mayo Clinic Laboratories, Mayo Clinic); PubMed 16267036 (cited by Women's Health and Genetics/Laboratory Corporation of America, LabCorp); PubMed 21702907 (cited by Women's Health and Genetics/Laboratory Corporation of America, LabCorp); PubMed 8776600 (cited by Women's Health and Genetics/Laboratory Corporation of America, LabCorp); PubMed 10480351 (cited by Women's Health and Genetics/Laboratory Corporation of America, LabCorp); PubMed 16616110 (cited by Women's Health and Genetics/Laboratory Corporation of America, LabCorp); PubMed 27425403 (cited by Women's Health and Genetics/Laboratory Corporation of America, LabCorp); PubMed 24884479 (cited by Clinical and Functional Genomics Group, A.C.Camargo Cancer Center); PubMed 10737987 (cited by Counsyl); PubMed 23289006 (cited by Counsyl); PubMed 21324516 (cited by Counsyl); PubMed 19098453 (cited by Counsyl).